The following is an entry in ClinVar:

ClinVar aggregate classification (germline): Uncertain significance (1 of 4 stars; one submission).

Submission:

Labcorp Genetics (formerly Invitae), Labcorp
Classification: Uncertain significance. Last evaluated: 2025-01-01. Review status: criteria provided, single submitter. Criteria: Invitae Variant Classification Sherloc (09022015). Collection method: clinical testing. Allele origin: germline.
Comment: This sequence change replaces aspartic acid, which is acidic and polar, with asparagine, which is neutral and polar, at codon 2407 of the ACAN protein (p.Asp2407Asn). This variant is not present in population databases (gnomAD no frequency). This variant has not been reported in the literature in individuals affected with ACAN-related conditions. An algorithm developed to predict the effect of missense changes on protein structure and function (PolyPhen-2) suggests that this variant is likely to be disruptive. In summary, the available evidence is currently insufficient to determine the role of this variant in disease. Therefore, it has been classified as a Variant of Uncertain Significance.

NM_001369268.1(ACAN):c.7333G>A (p.Asp2445Asn)

Gene: ACAN (aggrecan; plus strand). Cytogenetic location: 15q26.1.
Variant type: single nucleotide variant.
Coding change: c.7333G>A on transcript NM_001369268.1 (MANE Select); coding-DNA position 7333, G replaced by A.
Protein change: p.Asp2445Asn; replaces aspartic acid 2445 with asparagine.
Molecular consequence: missense variant.
Genome position (GRCh38, 1-based): chr15:88,872,911, G>A. VCF-style: chr15-88872911-G-A. GRCh37 (hg19) VCF-style: chr15-89416142-G-A.
Other names: c.7105G>A, p.Asp2369Asn (NM_001135.4, NM_001411096.1); c.7219G>A, p.Asp2407Asn (NM_001411097.1, NM_013227.4); short protein forms D2369N, D2445N, D2407N.
Identifiers: ClinVar variation 3728419 (VCV003728419.2).